The following is an entry in ClinVar:

ClinVar aggregate classification (germline): Uncertain significance (1 of 4 stars; one submission).

Allele frequency attached by ClinVar (database versions not stated): TOPMed below 0.00001; gnomAD exomes below 0.00001; gnomAD 0.00001.
gnomAD v4.1: 2 of 1,613,596 alleles (0.00012%); highest among the groups gnomAD compares: Admixed American, 0.0017%; no homozygotes.

Submission:

Labcorp Genetics (formerly Invitae), Labcorp
Classification: Uncertain significance. Last evaluated: 2025-03-16. Review status: criteria provided, single submitter. Criteria: Invitae Variant Classification Sherloc (09022015). Collection method: clinical testing. Allele origin: germline.
Comment: This sequence change falls in intron 17 of the MYO18B gene. It does not directly change the encoded amino acid sequence of the MYO18B protein. It affects a nucleotide within the consensus splice site. This variant is present in population databases (no rsID available, gnomAD 0.003%). This variant has not been reported in the literature in individuals affected with MYO18B-related conditions. ClinVar contains an entry for this variant (Variation ID: 1382344). Variants that disrupt the consensus splice site are a relatively common cause of aberrant splicing (PMID: 17576681, 9536098). Algorithms developed to predict the effect of sequence changes on RNA splicing suggest that this variant is not likely to affect RNA splicing. In summary, the available evidence is currently insufficient to determine the role of this variant in disease. Therefore, it has been classified as a Variant of Uncertain Significance.

Literature cited by the submitters: PubMed 17576681; PubMed 9536098.

NM_032608.7(MYO18B):c.3208+3A>G

Gene: MYO18B (myosin XVIIIB; plus strand). Cytogenetic location: 22q12.1.
Variant type: single nucleotide variant.
Coding change: c.3208+3A>G on transcript NM_032608.7 (MANE Select); 3 bases into the intron after coding-DNA position 3208, A replaced by G.
Molecular consequence: intron variant.
Genome position (GRCh38, 1-based): chr22:25,835,446, A>G. VCF-style: chr22-25835446-A-G. GRCh37 (hg19) VCF-style: chr22-26231413-A-G.
Other names: c.3211+3A>G (NM_001318245.2).
Identifiers: ClinVar variation 1382344 (VCV001382344.6), dbSNP rs1394195181, ClinGen allele CA638953436.
Genomic context (GRCh38, chr22:25,835,446, plus strand): 5'-AGTGTGGTGCTCGAGCGTCTGTGTGCTGCTTTCGAGAAGAAAGGAGCTGGGACTGAAGGT[A>G]AGGAAGCAGGGGGCTGGGGATGGGGCCTGAGTCCAGCCTGGGTATTAGAATCTGTTCTTC-3'